The following is an entry in ClinVar:

NM_178466.5(BPIFA3):c.512G>A (p.Ser171Asn)

Gene: BPIFA3 (BPI fold containing family A member 3; plus strand). Cytogenetic location: 20q11.21.
Variant type: single nucleotide variant.
Coding change: c.512G>A on transcript NM_178466.5 (MANE Select); coding-DNA position 512, G replaced by A.
Protein change: p.Ser171Asn; replaces serine 171 with asparagine.
Molecular consequence: missense variant.
Genome position (GRCh38, 1-based): chr20:33,225,223, G>A. VCF-style: chr20-33225223-G-A. GRCh37 (hg19) VCF-style: chr20-31813029-G-A.
Other names: c.404G>A, p.Ser135Asn (NM_001042439.2); short protein forms S171N, S135N.
Identifiers: ClinVar variation 4646438 (VCV004646438.1).

ClinVar aggregate classification (germline): Uncertain significance (1 of 4 stars; one submission).

gnomAD v4.1: 5 of 1,613,974 alleles (0.00031%); highest among the groups gnomAD compares: South Asian, 0.0055%; no homozygotes.

Submission:

Ambry Genetics
Classification: Uncertain significance. Last evaluated: 2025-10-17. Review status: criteria provided, single submitter. Criteria: Ambry Variant Classification Scheme 2023. Collection method: clinical testing. Allele origin: germline.
Comment: The c.512G>A (p.S171N) alteration is located in exon 4 (coding exon 4) of the BPIFA3 gene. This alteration results from a G to A substitution at nucleotide position 512, causing the serine (S) at amino acid position 171 to be replaced by an asparagine (N). Based on data from gnomAD, the A allele has an overall frequency of 0.001% (2/251292) total alleles studied. The highest observed frequency was 0.007% (2/30616) of South Asian alleles. Based on insufficient or conflicting evidence, the clinical significance of this alteration remains unclear.